The following is an entry in ClinVar:

NM_004006.3(DMD):c.2623-3C>G

Gene: DMD (dystrophin; minus strand). Cytogenetic location: Xp21.1.
Variant type: single nucleotide variant.
Coding change: c.2623-3C>G on transcript NM_004006.3 (MANE Select); 3 bases into the intron before coding-DNA position 2623, C replaced by G.
Molecular consequence: intron variant.
Genome position (GRCh38, 1-based): chrX:32,485,102, G>C on the plus strand (C>G on the coding strand, the complement: DMD is on the minus strand). VCF-style: chrX-32485102-G-C. GRCh37 (hg19) VCF-style: chrX-32503219-G-C.
Other names: c.2599-3C>G (NM_000109.4); c.2611-3C>G (NM_004009.3); c.2254-3C>G (NM_004010.3).
Identifiers: ClinVar variation 217186 (VCV000217186.7), dbSNP rs863224988, ClinGen allele CA347541.

ClinVar aggregate classification (germline): Pathogenic/Likely pathogenic. Review status: criteria provided, multiple submitters, no conflicts (2 of 4 stars). 4 submissions from 4 submitters: Pathogenic (3); Likely pathogenic (1). Last evaluated 2022-02-02.

Conditions:
Neuromuscular disease caused by qualitative or quantitative defects of dystrophin. Also called: Qualitative or quantitative defects of dystrophin. Identifiers: Orphanet 207085, MedGen C5679787, MONDO:0016147.
Duchenne muscular dystrophy (DMD). Also called: MUSCULAR DYSTROPHY, PSEUDOHYPERTROPHIC PROGRESSIVE, DUCHENNE TYPE; Duchenne Muscular Dystrophy (DMD). Identifiers: Orphanet 98896, MedGen C0013264, MONDO:0010679, OMIM 310200.

Submissions (4):

Victorian Clinical Genetics Services, Murdoch Childrens Research Institute
Classification: Likely pathogenic for Duchenne muscular dystrophy. Last evaluated: 2022-02-02. Review status: criteria provided, single submitter. Criteria: ACMG Guidelines, 2015. Collection method: clinical testing. Allele origin: germline.
Comment: Based on the classification scheme VCGS_Germline_v1.3.4, this variant is classified as Likely pathogenic. Following criteria are met: 0102 - Loss of function is a known mechanism of disease in this gene and is associated with Duchenne muscular dystrophy (DMD; MIM#310200), Becker muscular dystrophy (BMD; MIM#300376) and X-linked dominant dilated cardiomyopathy, 3B (DCM; MIM#302045). (I) 0108 - This gene is associated with both recessive and dominant disease. DMD and BMD are both associated with X-linked recessive disease, while females who are heterozygous for a pathogenic DMD variant are at increased risk for DCM. (I) 0212 - Non-canonical splice site variant without proven consequence on splicing (no functional evidence available). This variant has been reported to result in the retention of the last two nucleotides in intron 20 and create a new acceptor splice site; however, no specific functional studies have been shown (PMIDs: 19783145, 22182525). (SP) 0253 - This variant is hemizygous. (I) 0301 - Variant is absent from gnomAD (both v2 and v3). (SP) 0311 - An alternative nucleotide change at the same non-canonical splice site, is present in gnomAD (v2) at a frequency of 0.0000055 (1 heterozygote, 0 homozygotes). (SB) 0508 - In silico predictions for abnormal splicing are inconclusive. (I) 0705 - No comparable splice variants have previous evidence for pathogenicity. (I) 0801 - This variant has strong previous evidence of pathogenicity in unrelated individuals. This variant has been reported at least five individuals with Duchenne muscular dystrophy and/or dystrophinopathies (ClinVar; PMIDs: 19783145, 22182525). (SP) 0905 - No published segregation evidence has been identified for this variant. (I) 1010 - Functional evidence for this variant is inconclusive. Using patient fibroblasts and RNA extracted from patient muscle tissue, this variant has been reported to retain the last two nucleotides in intron 20 and create a new splice site, however specific functional studies demonstrating this has not been shown ((PMIDs: 19783145, 22182525). (I) Legend: (SP) - Supporting pathogenic, (I) - Information, (SB) - Supporting benign

Women's Health and Genetics/Laboratory Corporation of America, LabCorp
Classification: Pathogenic for Neuromuscular disease caused by qualitative or quantitative defects of dystrophin. Last evaluated: 2021-02-22. Review status: criteria provided, single submitter. Criteria: LabCorp Variant Classification Summary - May 2015. Collection method: clinical testing. Allele origin: germline.
Comment: Variant summary: DMD c.2623-3C>G alters a conserved nucleotide located close to a canonical splice site and therefore could affect mRNA splicing, leading to a significantly altered protein sequence. Several computational tools predict a significant impact on normal splicing: Three predict the variant abolishes a 3 acceptor site and creates a new cryptic intronic one. Experimental evidence supports these predictions demonstrating the variant leads to the retention of the last 2 AG nucleotides of intron 20 in the mature dystrophin mRNA (Sedlackova_2009, Adkin_2012). The variant was absent in 183222 control chromosomes (gnomAD). c.2623-3C>G has been reported in the literature in individuals affected with Dystrophinopathies (e.g. Sedlackova_2009, Adkin_2012). These data indicate that the variant may be associated with disease. A ClinVar submitter (evaluation after 2014) cites the variant as pathogenic. Based on the evidence outlined above, the variant was classified as pathogenic.

Eurofins Ntd Llc (ga)
Classification: Pathogenic. Last evaluated: 2017-05-16. Review status: criteria provided, single submitter. Criteria: EGL Classification Definitions 2015. Collection method: clinical testing. Allele origin: germline.

Athena Diagnostics
Classification: Pathogenic for Duchenne muscular dystrophy. Last evaluated: 2012-09-12. Review status: criteria provided, single submitter. Criteria: Athena Diagnostics Criteria. Collection method: clinical testing. Allele origin: germline. Inheritance: X-linked recessive inheritance.
Comment: X-linked recessive inheritance

Literature cited by the submitters: PubMed 19783145 (cited by 3 submitters); PubMed 22182525 (cited by Victorian Clinical Genetics Services, Murdoch Childrens Research Institute and Women's Health and Genetics/Laboratory Corporation of America, LabCorp).